The following is an entry in ClinVar:

NM_001204.7(BMPR2):c.1218G>C (p.Met406Ile)

Gene: BMPR2 (bone morphogenetic protein receptor type 2; plus strand). Cytogenetic location: 2q33.2.
Variant type: single nucleotide variant.
Coding change: c.1218G>C on transcript NM_001204.7 (MANE Select); coding-DNA position 1218, G replaced by C.
Protein change: p.Met406Ile; replaces methionine 406 with isoleucine.
Molecular consequence: missense variant.
Genome position (GRCh38, 1-based): chr2:202,532,674, G>C. VCF-style: chr2-202532674-G-C. GRCh37 (hg19) VCF-style: chr2-203397397-G-C.
Other names: short protein forms M406I.
Identifiers: ClinVar variation 4827197 (VCV004827197.1).

ClinVar aggregate classification (germline): Uncertain significance (1 of 4 stars; one submission).

Conditions:
Inborn genetic diseases. Identifiers: MedGen C0950123, MeSH D030342.

Submission:

Ambry Genetics
Classification: Uncertain significance for Inborn genetic diseases. Last evaluated: 2026-03-12. Review status: criteria provided, single submitter. Criteria: Ambry Variant Classification Scheme 2023. Collection method: clinical testing. Allele origin: germline.
Comment: The p.M406I variant (also known as c.1218G>C), located in coding exon 9 of the BMPR2 gene, results from a G to C substitution at nucleotide position 1218. The methionine at codon 406 is replaced by isoleucine, an amino acid with highly similar properties. This amino acid position is conserved. In addition, this alteration is predicted to be deleterious by in silico analysis. Based on the available evidence, the clinical significance of this variant remains unclear.